The following is an entry in ClinVar:

NM_004526.4(MCM2):c.1553A>G (p.Asn518Ser)

Gene: MCM2 (minichromosome maintenance complex component 2; plus strand). Cytogenetic location: 3q21.3.
Variant type: single nucleotide variant.
Coding change: c.1553A>G on transcript NM_004526.4 (MANE Select); coding-DNA position 1553, A replaced by G.
Protein change: p.Asn518Ser; replaces asparagine 518 with serine.
Molecular consequence: missense variant. On other transcripts: non-coding transcript variant (1).
Genome position (GRCh38, 1-based): chr3:127,616,898, A>G. VCF-style: chr3-127616898-A-G. GRCh37 (hg19) VCF-style: chr3-127335741-A-G.
Other names: c.1553A>G (NM_004526.3, NM_004526.2); short protein forms N518S.
Identifiers: ClinVar variation 2896947 (VCV002896947.5), dbSNP rs149592386, ClinGen allele CA2595947.
Genomic context (GRCh38, chr3:127,616,898, plus strand): 5'-CCCTCCCCCGCTTCTACTCATCCCCTCCAGGTGGCAAGCACAAGGTACGTGGTGATATCA[A>G]CGTGCTCTTGTGCGGAGACCCTGGCACAGCGAAGTCGCAGTTTCTCAAGTATATTGAGAA-3'
Protein context (NP_004517.2, residues 508-528): GGKHKVRGDI[Asn518Ser]VLLCGDPGTA

ClinVar aggregate classification (germline): Uncertain significance. Review status: criteria provided, multiple submitters, no conflicts (2 of 4 stars). 3 submissions from 3 submitters: Uncertain significance (3). Last evaluated 2025-12-08.

Conditions:
MCM2-related disorder. Also called: MCM2-related condition.

Allele frequency attached by ClinVar (database versions not stated): TOPMed 0.00002; gnomAD 0.00004; ExAC 0.00006; gnomAD exomes 0.00006; ESP Exome Variant Server 0.00008; 1000 Genomes Project 30x 0.00016; 1000 Genomes Project 0.00020.
gnomAD v4.1: 102 of 1,614,154 alleles (0.0063%); highest among the groups gnomAD compares: South Asian, 0.035%; no homozygotes.

Submissions (3):

Ambry Genetics
Classification: Uncertain significance. Last evaluated: 2025-12-08. Review status: criteria provided, single submitter. Criteria: Ambry Variant Classification Scheme 2023. Collection method: clinical testing. Allele origin: germline.

PreventionGenetics, part of Exact Sciences
Classification: Uncertain significance for MCM2-related condition. Last evaluated: 2025-09-02. Review status: criteria provided, single submitter. Criteria: ACMG Guidelines, 2015. Collection method: clinical testing. Allele origin: germline.
Comment: The MCM2 c.1553A>G variant is predicted to result in the amino acid substitution p.Asn518Ser. To our knowledge, this variant has not been reported in the literature. This variant is reported in 0.026% of alleles in individuals of South Asian descent in gnomAD. Although we suspect that this variant may be benign, at this time, the clinical significance of this variant is uncertain due to the absence of conclusive functional and genetic evidence.

Labcorp Genetics (formerly Invitae), Labcorp
Classification: Uncertain significance. Last evaluated: 2023-08-19. Review status: criteria provided, single submitter. Criteria: Invitae Variant Classification Sherloc (09022015). Collection method: clinical testing. Allele origin: germline.
Comment: In summary, the available evidence is currently insufficient to determine the role of this variant in disease. Therefore, it has been classified as a Variant of Uncertain Significance. Advanced modeling of protein sequence and biophysical properties (such as structural, functional, and spatial information, amino acid conservation, physicochemical variation, residue mobility, and thermodynamic stability) performed at Invitae indicates that this missense variant is expected to disrupt MCM2 protein function. This variant has not been reported in the literature in individuals affected with MCM2-related conditions. This variant is present in population databases (rs149592386, gnomAD 0.03%). This sequence change replaces asparagine, which is neutral and polar, with serine, which is neutral and polar, at codon 518 of the MCM2 protein (p.Asn518Ser).